The following is an entry in ClinVar:

NM_001365999.1(SZT2):c.1090+3G>A

Gene: SZT2 (SZT2 subunit of KICSTOR complex; plus strand). Cytogenetic location: 1p34.2.
Variant type: single nucleotide variant.
Coding change: c.1090+3G>A on transcript NM_001365999.1 (MANE Select); 3 bases into the intron after coding-DNA position 1090, G replaced by A.
Molecular consequence: intron variant.
Genome position (GRCh38, 1-based): chr1:43,419,947, G>A. VCF-style: chr1-43419947-G-A. GRCh37 (hg19) VCF-style: chr1-43885618-G-A.
Other names: c.1090+3G>A (NM_015284.4).
Identifiers: ClinVar variation 2115447 (VCV002115447.1), dbSNP rs942682750, ClinGen allele CA21628733.

ClinVar aggregate classification (germline): Uncertain significance (1 of 4 stars; one submission).

Allele frequency attached by ClinVar (database versions not stated): gnomAD exomes below 0.00001; TOPMed below 0.00001; gnomAD 0.00001.
gnomAD v4.1: 3 of 1,598,120 alleles (0.00019%); highest among the groups gnomAD compares: Middle Eastern, 0.016%; no homozygotes.

Submission:

Labcorp Genetics (formerly Invitae), Labcorp
Classification: Uncertain significance. Last evaluated: 2022-03-20. Review status: criteria provided, single submitter. Criteria: Invitae Variant Classification Sherloc (09022015). Collection method: clinical testing. Allele origin: germline.
Comment: This sequence change falls in intron 8 of the SZT2 gene. It does not directly change the encoded amino acid sequence of the SZT2 protein. It affects a nucleotide within the consensus splice site. This variant is not present in population databases (gnomAD no frequency). This variant has not been reported in the literature in individuals affected with SZT2-related conditions. Variants that disrupt the consensus splice site are a relatively common cause of aberrant splicing (PMID: 17576681, 9536098). Algorithms developed to predict the effect of sequence changes on RNA splicing suggest that this variant may disrupt the consensus splice site. In summary, the available evidence is currently insufficient to determine the role of this variant in disease. Therefore, it has been classified as a Variant of Uncertain Significance.

Literature cited by the submitters: PubMed 17576681; PubMed 9536098.